The following is an entry in ClinVar:

ClinVar aggregate classification (germline): Benign (1 of 4 stars; one submission).

Allele frequency attached by ClinVar (database versions not stated): gnomAD 0.07906 and 0.08179; TOPMed 0.07916; 1000 Genomes Project 30x 0.09260; 1000 Genomes Project 0.09605.
gnomAD v4.1: 12,445 of 152,142 alleles (8.2%); highest among the groups gnomAD compares: South Asian, 14%; 594 homozygotes.

Submission:

GeneDx
Classification: Benign. Last evaluated: 2018-06-19. Review status: criteria provided, single submitter. Criteria: GeneDx Variant Classification (06012015). Collection method: clinical testing. Allele origin: germline. Affected: yes.
Comment: This variant is considered likely benign or benign based on one or more of the following criteria: it is a conservative change, it occurs at a poorly conserved position in the protein, it is predicted to be benign by multiple in silico algorithms, and/or has population frequency not consistent with disease.

NM_000020.3(ACVRL1):c.772+305T>A

Gene: ACVRL1 (activin A receptor like type 1; plus strand). Cytogenetic location: 12q13.13.
Variant type: single nucleotide variant.
Coding change: c.772+305T>A on transcript NM_000020.3 (MANE Select); 305 bases into the intron after coding-DNA position 772, T replaced by A.
Molecular consequence: intron variant.
Genome position (GRCh38, 1-based): chr12:51,914,890, T>A. VCF-style: chr12-51914890-T-A. GRCh37 (hg19) VCF-style: chr12-52308674-T-A.
Other names: c.772+305T>A (NM_001077401.2).
Identifiers: ClinVar variation 674089 (VCV000674089.1), dbSNP rs150466281, ClinGen allele CA236363682.